The following is an entry in ClinVar:

ClinVar aggregate classification (germline): Conflicting classifications of pathogenicity. Review status: criteria provided, conflicting classifications (1 of 4 stars). 3 submissions from 3 submitters: Pathogenic (1); Uncertain significance (2). Last evaluated 2025-12-24.

Conditions:
Micropenis. Identifiers: MedGen C4551492, HP:0000054.
ANOS1-related disorder. Also called: ANOS1-related condition.

Submissions (3):

Women's Health and Genetics/Laboratory Corporation of America, LabCorp
Classification: Uncertain significance. Last evaluated: 2025-12-24. Review status: criteria provided, single submitter. Criteria: LabCorp Variant Classification Summary - May 2015. Collection method: clinical testing. Allele origin: germline.
Comment: Variant summary: ANOS1 c.515G>A (p.Cys172Tyr) results in a non-conservative amino acid change in the encoded protein sequence. Algorithms developed to predict the effect of missense changes on protein structure and function all suggest that this variant is likely to be disruptive. The frequency data for this variant in gnomAD is considered unreliable, as metrics indicate poor data quality at this position. c.515G>A has been observed in individual(s) affected with Hypogonadotropic Hypogonadism 1 With Or Without Anosmia (Tang_2023). These data do not allow any conclusion about variant significance. To our knowledge, no experimental evidence demonstrating an impact on protein function has been reported. The following publication have been ascertained in the context of this evaluation (PMID: 37493574). ClinVar contains an entry for this variant (Variation ID: 1344504). Based on the evidence outlined above, the variant was classified as uncertain significance.

PreventionGenetics, part of Exact Sciences
Classification: Uncertain significance for ANOS1-related condition. Last evaluated: 2022-11-03. Review status: criteria provided, single submitter. Criteria: ACMG Guidelines, 2015. Collection method: clinical testing. Allele origin: germline.
Comment: The ANOS1 c.515G>A variant is predicted to result in the amino acid substitution p.Cys172Tyr. To our knowledge, this variant has not been reported in the literature or in a large population database, indicating this variant is rare. A different substitution affecting the same amino acid (p.Cys172Arg) has been reported in several individuals with Kallmann syndrome including three affected brothers from one family (Oliveira et al. 2001. PubMed ID: 11297579; Miraoui H et al 2013. PubMed ID: 23643382). Although we suspect this variant may be pathogenic, at this time, the clinical significance of this variant is uncertain due to the absence of conclusive functional and genetic evidence.

Seattle Children's Hospital Molecular Genetics Laboratory, Seattle Children's Hospital
Classification: Pathogenic for Micropenis. Last evaluated: 2019-08-28. Review status: criteria provided, single submitter. Criteria: ACMG Guidelines, 2015. Collection method: clinical testing. Allele origin: unknown. Inheritance: Autosomal dominant inheritance. Affected: yes.
Comment: The c.515G>A variant, located in exon 4 of ANOS1/KAL1, substitutes the cysteine with tyrosine at amino acid position 172 of the protein. This variant has not been reported in the general population (0 of >183,000 alleles; Genome Aggregation Database v2.1). To our knowledge, this variant has not been reported in the medical literature or gene-specific databases. However, a different amino acid substitution at the same position (p.Cys172Arg) has been reported in a family with three affected brothers with Kallmann syndrome (PMID: 11297579). The p.Cys172Tyr change is located within the highly conserved whey acid protein (WAP) domain (UniProt amino acids 127-176). The WAP domain has been shown to play a role in axonogenesis and neuron migration. Computational tools predict the p.Cys172Tyr change to be damaging to protein function (DANN, MutationTaster, FATHMM, SIFT, Provean). Taken together, the ANOS1 p.Cys172Tyr variant is interpreted as a pathogenic change.

Literature cited by the submitters: PubMed 37493574 (cited by Women's Health and Genetics/Laboratory Corporation of America, LabCorp); PubMed 11297579 (cited by Seattle Children's Hospital Molecular Genetics Laboratory, Seattle Children's Hospital).

NM_000216.4(ANOS1):c.515G>A (p.Cys172Tyr)

Gene: ANOS1 (anosmin 1; minus strand). Cytogenetic location: Xp22.31.
Variant type: single nucleotide variant.
Coding change: c.515G>A on transcript NM_000216.4 (MANE Select); coding-DNA position 515, G replaced by A.
Protein change: p.Cys172Tyr; replaces cysteine 172 with tyrosine.
Molecular consequence: missense variant.
Genome position (GRCh38, 1-based): chrX:8,597,060, C>T on the plus strand (G>A on the coding strand, the complement: ANOS1 is on the minus strand). VCF-style: chrX-8597060-C-T. GRCh37 (hg19) VCF-style: chrX-8565101-C-T.
Other names: c.515G>A (NM_000216.3); short protein forms C172Y.
Identifiers: ClinVar variation 1344504 (VCV001344504.3), dbSNP rs1930749813, ClinGen allele CA412024809.